The following is an entry in ClinVar:

ClinVar aggregate classification (germline): Conflicting classifications of pathogenicity. Review status: criteria provided, conflicting classifications (1 of 4 stars). 5 submissions from 4 submitters: Uncertain significance (2); Likely benign (2). 1 of the submissions does not count toward it. Last evaluated 2025-12-14.

Conditions:
TTC21B-related disorder. Also called: TTC21B-related condition; TTC21B-related disorders.
Nephronophthisis 12 (NPHP12). Identifiers: Orphanet 655, MedGen C3151186, MONDO:0013442, OMIM 613820.
Jeune thoracic dystrophy. Also called: Jeune syndrome; Infantile thoracic dystrophy; Thoracic pelvic phalangeal dystrophy; Jeune's syndrome; Chondroectodermal dysplasia-like syndrome; Short-rib thoracic dysplasia. Identifiers: Orphanet 474, MedGen C0265275, MONDO:0018770.
Nephronophthisis. Also called: Juvenile Nephronophthisis. Identifiers: Orphanet 655, MedGen C0687120, MONDO:0019005, HP:0000090.
Asphyxiating thoracic dystrophy 4 (SRTD4). Also called: SHORT-RIB THORACIC DYSPLASIA 4; SHORT-RIB THORACIC DYSPLASIA 4 WITH OR WITHOUT POLYDACTYLY. Identifiers: Orphanet 474, MedGen C3151185, MONDO:0013441, OMIM 613819.

Allele frequency attached by ClinVar (database versions not stated): ExAC 0.00008; gnomAD exomes 0.00010 and 0.00004; ESP Exome Variant Server 0.00023; gnomAD 0.00025 and 0.00028; 1000 Genomes Project 30x 0.00031; TOPMed 0.00032; 1000 Genomes Project 0.00040.

Submissions (5):

Labcorp Genetics (formerly Invitae), Labcorp
Classification: Likely benign for Jeune thoracic dystrophy; Nephronophthisis. Last evaluated: 2025-12-14. Review status: criteria provided, single submitter. Criteria: Invitae Variant Classification Sherloc (09022015). Collection method: clinical testing. Allele origin: germline.

Blueprint Genetics
Classification: Likely benign. Last evaluated: 2024-03-26. Review status: criteria provided, single submitter. Criteria: ACMG Guidelines, 2015. Collection method: clinical testing. Allele origin: germline.

Illumina Laboratory Services, Illumina
Classification: Uncertain significance for Asphyxiating thoracic dystrophy 4. Last evaluated: 2018-01-13. Review status: criteria provided, single submitter. Criteria: ICSL Variant Classification Criteria 13 December 2019. Collection method: clinical testing. Allele origin: germline.

Illumina Laboratory Services, Illumina
Classification: Uncertain significance for Nephronophthisis 12. Last evaluated: 2018-01-13. Review status: criteria provided, single submitter. Criteria: ICSL Variant Classification Criteria 13 December 2019. Collection method: clinical testing. Allele origin: germline.

PreventionGenetics, part of Exact Sciences
Classification: Likely benign for TTC21B-related condition. Last evaluated: 2019-08-02. Review status: no assertion criteria provided. Collection method: clinical testing. Allele origin: germline. Not counted in ClinVar's aggregate classification.
Comment: This variant is classified as likely benign based on ACMG/AMP sequence variant interpretation guidelines (Richards et al. 2015 PMID: 25741868, with internal and published modifications).

NM_024753.5(TTC21B):c.1563C>T (p.His521=)

Gene: TTC21B (tetratricopeptide repeat domain 21B; minus strand). Cytogenetic location: 2q24.3.
Variant type: single nucleotide variant.
Coding change: c.1563C>T on transcript NM_024753.5 (MANE Select); coding-DNA position 1563, C replaced by T.
Protein change: p.His521=; no amino-acid change (histidine 521 retained).
Molecular consequence: synonymous variant.
Genome position (GRCh38, 1-based): chr2:165,919,387, G>A on the plus strand (C>T on the coding strand, the complement: TTC21B is on the minus strand). VCF-style: chr2-165919387-G-A. GRCh37 (hg19) VCF-style: chr2-166775897-G-A.
Identifiers: ClinVar variation 893420 (VCV000893420.14), dbSNP rs138294801, ClinGen allele CA1942083.